The following is an entry in ClinVar:

ClinVar aggregate classification (germline): Uncertain significance. Review status: criteria provided, multiple submitters, no conflicts (2 of 4 stars). 3 submissions from 3 submitters: Uncertain significance (3). Last evaluated 2025-05-27.

Conditions:
Hereditary cancer-predisposing syndrome. Also called: Tumor predisposition; Hereditary neoplastic syndrome; Neoplastic Syndromes, Hereditary; Hereditary Cancer Syndrome. Identifiers: Orphanet 140162, MedGen C0027672, MeSH D009386, MONDO:0015356.
Multiple endocrine neoplasia, type 2 (MEN2). Identifiers: Orphanet 653, MedGen C4048306, MONDO:0019003. Disease mechanism: gain of function.

Allele frequency attached by ClinVar (database versions not stated): gnomAD exomes below 0.00001; TOPMed below 0.00001.
gnomAD v4.1: 2 of 1,614,026 alleles (0.00012%); highest among the groups gnomAD compares: Non-Finnish European, 0.00017%; no homozygotes.

Submissions (3):

Ambry Genetics
Classification: Uncertain significance for Hereditary cancer-predisposing syndrome. Last evaluated: 2025-05-27. Review status: criteria provided, single submitter. Criteria: Ambry Variant Classification Scheme 2023. Collection method: clinical testing. Allele origin: germline.
Comment: The p.C478Y variant (also known as c.1433G>A), located in coding exon 7 of the RET gene, results from a G to A substitution at nucleotide position 1433. The cysteine at codon 478 is replaced by tyrosine, an amino acid with highly dissimilar properties. This alteration has been identified in an individual diagnosed with medullary thyroid cancer (Sherman SI et al. Cancer, 2016 Dec;122:3856-3864). This amino acid position is well conserved in available vertebrate species. In addition, the in silico prediction for this alteration is inconclusive. Since supporting evidence is limited at this time, the clinical significance of this alteration remains unclear.

GeneDx
Classification: Uncertain significance. Last evaluated: 2024-12-23. Review status: criteria provided, single submitter. Criteria: GeneDx Variant Classification Process June 2021. Collection method: clinical testing. Allele origin: germline. Affected: yes.
Comment: Has been identified in a patient with uterine didelphys and unilateral renal agenesis via exome sequencing in the published literature (PMID: 34311961); Has also been observed as germline variant in a cohort of patients with medullary thyroid carcinoma; however patient specific details were not provided (PMID: 27525386); Not observed at significant frequency in large population cohorts (gnomAD); In silico analysis supports that this missense variant has a deleterious effect on protein structure/function; In silico analysis suggests this variant may impact gene splicing. In the absence of RNA/functional studies, the actual effect of this sequence change is unknown.; This variant is associated with the following publications: (PMID: 14633923, 34311961, 27525386)

Labcorp Genetics (formerly Invitae), Labcorp
Classification: Uncertain significance for Multiple endocrine neoplasia, type 2. Last evaluated: 2024-04-29. Review status: criteria provided, single submitter. Criteria: Invitae Variant Classification Sherloc (09022015). Collection method: clinical testing. Allele origin: germline.
Comment: This sequence change replaces cysteine, which is neutral and slightly polar, with tyrosine, which is neutral and polar, at codon 478 of the RET protein (p.Cys478Tyr). This variant is present in population databases (no rsID available, gnomAD 0.0009%). This missense change has been observed in individual(s) with medullary thyroid cancer (PMID: 27525386). ClinVar contains an entry for this variant (Variation ID: 1493908). An algorithm developed to predict the effect of missense changes on protein structure and function (PolyPhen-2) suggests that this variant is likely to be disruptive. In summary, the available evidence is currently insufficient to determine the role of this variant in disease. Therefore, it has been classified as a Variant of Uncertain Significance.

Literature cited by the submitters: PubMed 27525386 (cited by Ambry Genetics and Labcorp Genetics (formerly Invitae), Labcorp).

NM_020975.6(RET):c.1433G>A (p.Cys478Tyr)

Gene: RET (ret proto-oncogene; plus strand). Cytogenetic location: 10q11.21.
Variant type: single nucleotide variant.
Coding change: c.1433G>A on transcript NM_020975.6 (MANE Select); coding-DNA position 1433, G replaced by A.
Protein change: p.Cys478Tyr; replaces cysteine 478 with tyrosine.
Molecular consequence: missense variant.
Genome position (GRCh38, 1-based): chr10:43,111,376, G>A. VCF-style: chr10-43111376-G-A. GRCh37 (hg19) VCF-style: chr10-43606824-G-A.
Other names: c.1433G>A, p.Cys478Tyr (NM_000323.2, NM_001406743.1, NM_001406744.1 and 6 more transcripts); c.671G>A, p.Cys224Tyr (NM_001355216.2); c.1304G>A, p.Cys435Tyr (NM_001406761.1, NM_001406762.1, NM_001406764.1 and 1 more transcripts); c.1145G>A, p.Cys382Tyr (NM_001406766.1, NM_001406767.1, NM_001406770.1); c.1037G>A, p.Cys346Tyr (NM_001406769.1, NM_001406772.1); c.995G>A, p.Cys332Tyr (NM_001406771.1, NM_001406773.1); c.908G>A, p.Cys303Tyr (NM_001406774.1); c.707G>A, p.Cys236Tyr (NM_001406775.1, NM_001406776.1, NM_001406777.1 and 1 more transcripts); and 1 more; short protein forms C224Y, C478Y, C382Y, C236Y, C303Y, C346Y, C148Y, C332Y.
Identifiers: ClinVar variation 1493908 (VCV001493908.11), dbSNP rs1459885382, ClinGen allele CA376549586.
Genomic context (GRCh38, chr10:43,111,376, plus strand): 5'-CCGAGGACACCTCGGGGATCCTGTTTGTGAATGACACCAAGGCCCTGCGGCGGCCCAAGT[G>A]TGCCGAACTTCACTACATGGTGGTGGCCACCGACCAGCAGACCTCTAGGCAGGCCCAGGC-3'
Protein context (NP_066124.1, residues 468-488): NDTKALRRPK[Cys478Tyr]AELHYMVVAT